The following is an entry in ClinVar:

NM_080680.3(COL11A2):c.2572T>C (p.Ser858Pro)

Gene: COL11A2 (collagen type XI alpha 2 chain; minus strand). Cytogenetic location: 6p21.32.
Variant type: single nucleotide variant.
Coding change: c.2572T>C on transcript NM_080680.3 (MANE Select); coding-DNA position 2572, T replaced by C.
Protein change: p.Ser858Pro; replaces serine 858 with proline.
Molecular consequence: missense variant.
Genome position (GRCh38, 1-based): chr6:33,173,884, A>G on the plus strand (T>C on the coding strand, the complement: COL11A2 is on the minus strand). VCF-style: chr6-33173884-A-G. GRCh37 (hg19) VCF-style: chr6-33141661-A-G.
Other names: c.2251T>C, p.Ser751Pro (NM_080679.3); c.2314T>C, p.Ser772Pro (NM_080681.3); short protein forms S751P, S772P, S858P.
Identifiers: ClinVar variation 1521424 (VCV001521424.8), dbSNP rs2150558401, ClinGen allele CA363642943.

ClinVar aggregate classification (germline): Uncertain significance (1 of 4 stars; one submission).

Submission:

Labcorp Genetics (formerly Invitae), Labcorp
Classification: Uncertain significance. Last evaluated: 2022-03-20. Review status: criteria provided, single submitter. Criteria: Invitae Variant Classification Sherloc (09022015). Collection method: clinical testing. Allele origin: germline.
Comment: In summary, the available evidence is currently insufficient to determine the role of this variant in disease. Therefore, it has been classified as a Variant of Uncertain Significance. Advanced modeling of protein sequence and biophysical properties (such as structural, functional, and spatial information, amino acid conservation, physicochemical variation, residue mobility, and thermodynamic stability) performed at Invitae indicates that this missense variant is not expected to disrupt COL11A2 protein function. This variant has not been reported in the literature in individuals affected with COL11A2-related conditions. This variant is not present in population databases (gnomAD no frequency). This sequence change replaces serine, which is neutral and polar, with proline, which is neutral and non-polar, at codon 858 of the COL11A2 protein (p.Ser858Pro).